The following is an entry in ClinVar:

ClinVar aggregate classification (germline): Uncertain significance (1 of 4 stars; one submission).

Submission:

Labcorp Genetics (formerly Invitae), Labcorp
Classification: Uncertain significance. Last evaluated: 2022-05-03. Review status: criteria provided, single submitter. Criteria: Invitae Variant Classification Sherloc (09022015). Collection method: clinical testing. Allele origin: germline.
Comment: This variant has not been reported in the literature in individuals affected with RNASEH1-related conditions. Algorithms developed to predict the effect of sequence changes on RNA splicing suggest that this variant may create or strengthen a splice site. In summary, the available evidence is currently insufficient to determine the role of this variant in disease. Therefore, it has been classified as a Variant of Uncertain Significance. This variant is not present in population databases (gnomAD no frequency). This sequence change affects codon 253 of the RNASEH1 mRNA. It is a 'silent' change, meaning that it does not change the encoded amino acid sequence of the RNASEH1 protein.

NM_002936.6(RNASEH1):c.759G>T (p.Gly253=)

Gene: RNASEH1 (ribonuclease H1; minus strand). Cytogenetic location: 2p25.3.
Variant type: single nucleotide variant.
Coding change: c.759G>T on transcript NM_002936.6 (MANE Select); coding-DNA position 759, G replaced by T.
Protein change: p.Gly253=; no amino-acid change (glycine 253 retained).
Molecular consequence: synonymous variant. On other transcripts: non-coding transcript variant (7).
Genome position (GRCh38, 1-based): chr2:3,547,946, C>A on the plus strand (G>T on the coding strand, the complement: RNASEH1 is on the minus strand). VCF-style: chr2-3547946-C-A. GRCh37 (hg19) VCF-style: chr2-3595536-C-A.
Other names: c.681G>T, p.Gly227= (NM_001286834.3); c.408G>T, p.Gly136= (NM_001286837.3); c.759G>T, p.Gly253= (NM_001378271.1); c.756G>T, p.Gly252= (NM_001378272.1); c.744G>T, p.Gly248= (NM_001378273.1).
Identifiers: ClinVar variation 1943179 (VCV001943179.5), dbSNP rs903827037, ClinGen allele CA424593398.
Genomic context (GRCh38, chr2:3,547,946, plus strand): 5'-ATTTGGTCATAATGGCCATAGGACATGAACATTTAAGATACTCACCCACTGAATGTCCAT[C>A]CCCTGGGTAAGCCTCTCCAGTGCCACAAAGTCCTCTTTGTTGATCACCTCTTTCCCTGCA-3'
Protein context (NP_002927.2, residues 243-263): DFVALERLTQ[Gly253=]MDIQWMHVPG